The following is an entry in ClinVar:

NM_001171.6(ABCC6):c.4404-2A>C

Gene: ABCC6 (ATP binding cassette subfamily C member 6; minus strand). Cytogenetic location: 16p13.11.
Variant type: single nucleotide variant.
Coding change: c.4404-2A>C on transcript NM_001171.6 (MANE Select); the canonical splice acceptor site of the intron before coding-DNA position 4404, A replaced by C.
Molecular consequence: splice acceptor variant.
Genome position (GRCh38, 1-based): chr16:16,150,243, T>G on the plus strand (A>C on the coding strand, the complement: ABCC6 is on the minus strand). VCF-style: chr16-16150243-T-G. GRCh37 (hg19) VCF-style: chr16-16244100-T-G.
Other names: c.4062-2A>C (NM_001351800.1).
Identifiers: ClinVar variation 1356349 (VCV001356349.8), dbSNP rs1368211583, ClinGen allele CA394883660.

ClinVar aggregate classification (germline): Uncertain significance (1 of 4 stars; one submission).

Allele frequency attached by ClinVar (database versions not stated): gnomAD exomes below 0.00001; gnomAD 0.00001; TOPMed 0.00001.
gnomAD v4.1: 3 of 1,613,804 alleles (0.00019%); highest among the groups gnomAD compares: Admixed American, 0.005%; no homozygotes.

Submission:

Labcorp Genetics (formerly Invitae), Labcorp
Classification: Uncertain significance. Last evaluated: 2022-12-02. Review status: criteria provided, single submitter. Criteria: Invitae Variant Classification Sherloc (09022015). Collection method: clinical testing. Allele origin: germline.
Comment: This sequence change affects an acceptor splice site in intron 30 of the ABCC6 gene. While this variant is not anticipated to result in nonsense mediated decay, it likely alters RNA splicing and results in a disrupted protein product. This variant is present in population databases (no rsID available, gnomAD 0.003%). Disruption of this splice site has been observed in individual(s) with clinical features of pseudoxanthoma elasticum (Invitae). ClinVar contains an entry for this variant (Variation ID: 1356349). Variants that disrupt the consensus splice site are a relatively common cause of aberrant splicing (PMID: 17576681, 9536098). Algorithms developed to predict the effect of sequence changes on RNA splicing suggest that this variant may disrupt the consensus splice site. In summary, the available evidence is currently insufficient to determine the role of this variant in disease. Therefore, it has been classified as a Variant of Uncertain Significance.

Literature cited by the submitters: PubMed 17576681; PubMed 9536098.